The following is an entry in ClinVar:

ClinVar aggregate classification (germline): Uncertain significance (1 of 4 stars; one submission).

gnomAD v4.1: 5 of 1,614,142 alleles (0.00031%); highest among the groups gnomAD compares: South Asian, 0.0011%; no homozygotes.

Submission:

Labcorp Genetics (formerly Invitae), Labcorp
Classification: Uncertain significance. Last evaluated: 2024-10-30. Review status: criteria provided, single submitter. Criteria: Invitae Variant Classification Sherloc (09022015). Collection method: clinical testing. Allele origin: germline.
Comment: This sequence change replaces alanine, which is neutral and non-polar, with threonine, which is neutral and polar, at codon 639 of the STAT4 protein (p.Ala639Thr). This variant is present in population databases (no rsID available, gnomAD 0.0009%). This variant has not been reported in the literature in individuals affected with STAT4-related conditions. Invitae Evidence Modeling of protein sequence and biophysical properties (such as structural, functional, and spatial information, amino acid conservation, physicochemical variation, residue mobility, and thermodynamic stability) indicates that this missense variant is not expected to disrupt STAT4 protein function with a negative predictive value of 80%. In summary, the available evidence is currently insufficient to determine the role of this variant in disease. Therefore, it has been classified as a Variant of Uncertain Significance.

NM_003151.4(STAT4):c.1915G>A (p.Ala639Thr)

Gene: STAT4 (signal transducer and activator of transcription 4; minus strand). Cytogenetic location: 2q32.2.
Variant type: single nucleotide variant.
Coding change: c.1915G>A on transcript NM_003151.4 (MANE Select); coding-DNA position 1915, G replaced by A.
Protein change: p.Ala639Thr; replaces alanine 639 with threonine.
Molecular consequence: missense variant.
Genome position (GRCh38, 1-based): chr2:191,033,087, C>T on the plus strand (G>A on the coding strand, the complement: STAT4 is on the minus strand). VCF-style: chr2-191033087-C-T. GRCh37 (hg19) VCF-style: chr2-191897813-C-T.
Other names: c.1915G>A, p.Ala639Thr (NM_001243835.2); short protein forms A639T.
Identifiers: ClinVar variation 3673272 (VCV003673272.2).